The following is an entry in ClinVar:

NM_005257.6(GATA6):c.670G>A (p.Gly224Ser)

Gene: GATA6 (GATA binding protein 6; plus strand). Cytogenetic location: 18q11.2.
Variant type: single nucleotide variant.
Coding change: c.670G>A on transcript NM_005257.6 (MANE Select); coding-DNA position 670, G replaced by A.
Protein change: p.Gly224Ser; replaces glycine 224 with serine.
Molecular consequence: missense variant.
Genome position (GRCh38, 1-based): chr18:22,171,814, G>A. VCF-style: chr18-22171814-G-A. GRCh37 (hg19) VCF-style: chr18-19751775-G-A.
Other names: short protein forms G224S.
Identifiers: ClinVar variation 2861001 (VCV002861001.3), dbSNP rs1007535542, ClinGen allele CA297147781.

ClinVar aggregate classification (germline): Uncertain significance (1 of 4 stars; one submission).

Conditions:
Atrioventricular septal defect 5 (AVSD5). Identifiers: MedGen C3280939, MONDO:0013769, OMIM 614474.

Allele frequency attached by ClinVar (database versions not stated): gnomAD 0.00003; TOPMed 0.00005.
gnomAD v4.1: 90 of 1,286,142 alleles (0.007%); highest among the groups gnomAD compares: Non-Finnish European, 0.0083%; no homozygotes.

Submission:

Labcorp Genetics (formerly Invitae), Labcorp
Classification: Uncertain significance for Atrioventricular septal defect 5. Last evaluated: 2024-08-28. Review status: criteria provided, single submitter. Criteria: Invitae Variant Classification Sherloc (09022015). Collection method: clinical testing. Allele origin: germline.
Comment: This sequence change replaces glycine, which is neutral and non-polar, with serine, which is neutral and polar, at codon 224 of the GATA6 protein (p.Gly224Ser). This variant is not present in population databases (gnomAD no frequency). This variant has not been reported in the literature in individuals affected with GATA6-related conditions. Invitae Evidence Modeling of protein sequence and biophysical properties (such as structural, functional, and spatial information, amino acid conservation, physicochemical variation, residue mobility, and thermodynamic stability) indicates that this missense variant is not expected to disrupt GATA6 protein function with a negative predictive value of 80%. In summary, the available evidence is currently insufficient to determine the role of this variant in disease. Therefore, it has been classified as a Variant of Uncertain Significance.